The following is an entry in ClinVar:

ClinVar aggregate classification (germline): Uncertain significance (1 of 4 stars; one submission).

Submission:

GeneDx
Classification: Uncertain significance. Last evaluated: 2024-02-06. Review status: criteria provided, single submitter. Criteria: GeneDx Variant Classification Process June 2021. Collection method: clinical testing. Allele origin: germline. Affected: yes.
Comment: Not observed at significant frequency in large population cohorts (gnomAD); In silico analysis supports that this missense variant has a deleterious effect on protein structure/function; Has not been previously published as pathogenic or benign to our knowledge

NM_001991.5(EZH1):c.1361G>A (p.Cys454Tyr)

Gene: EZH1 (enhancer of zeste 1 polycomb repressive complex 2 subunit; minus strand). Cytogenetic location: 17q21.2.
Variant type: single nucleotide variant.
Coding change: c.1361G>A on transcript NM_001991.5 (MANE Select); coding-DNA position 1361, G replaced by A.
Protein change: p.Cys454Tyr; replaces cysteine 454 with tyrosine.
Molecular consequence: missense variant.
Genome position (GRCh38, 1-based): chr17:42,712,329, C>T on the plus strand (G>A on the coding strand, the complement: EZH1 is on the minus strand). VCF-style: chr17-42712329-C-T. GRCh37 (hg19) VCF-style: chr17-40864347-C-T.
Other names: c.1379G>A, p.Cys460Tyr (NM_001321079.2); c.1334G>A, p.Cys445Tyr (NM_001321081.2); c.1241G>A, p.Cys414Tyr (NM_001321082.2); short protein forms C414Y, C445Y, C454Y, C460Y.
Identifiers: ClinVar variation 3368753 (VCV003368753.1).